The following is an entry in ClinVar:

ClinVar aggregate classification (germline): Uncertain significance (1 of 4 stars; one submission).

Conditions:
Long QT syndrome (LQTS). Identifiers: MedGen C0023976, MeSH D008133, MONDO:0002442. Disease mechanism: loss of function. Inheritance: Various modes of inheritance.

Submissions (2):

Labcorp Genetics (formerly Invitae), Labcorp
Classification: Uncertain significance for Long QT syndrome. Last evaluated: 2024-06-04. Review status: criteria provided, single submitter. Criteria: Invitae Variant Classification Sherloc (09022015). Collection method: clinical testing. Allele origin: germline.
Comment: This sequence change replaces arginine, which is basic and polar, with lysine, which is basic and polar, at codon 33 of the KCNE1 protein (p.Arg33Lys). This variant is not present in population databases (gnomAD no frequency). This variant has not been reported in the literature in individuals affected with KCNE1-related conditions. Advanced modeling of protein sequence and biophysical properties (such as structural, functional, and spatial information, amino acid conservation, physicochemical variation, residue mobility, and thermodynamic stability) performed at Invitae indicates that this missense variant is not expected to disrupt KCNE1 protein function with a negative predictive value of 95%. In summary, the available evidence is currently insufficient to determine the role of this variant in disease. Therefore, it has been classified as a Variant of Uncertain Significance.

Roden Lab, Vanderbilt University Medical Center
No classification provided (evidence only). Condition: Long QT syndrome 5. Review status: no classification provided. Collection method: in vitro. Allele origin: not applicable. Functional consequence: Effect on ion channel function. Not counted in ClinVar's aggregate classification.
ClinVar note: "not provided" was previously submitted as the classification for the variant. However, the classification appeared to be based only on an observation of functional data so it was converted to no classification on 2025-07-30.

NM_000219.6(KCNE1):c.98G>A (p.Arg33Lys)

Gene: KCNE1 (potassium voltage-gated channel subfamily E regulatory subunit 1; minus strand). Cytogenetic location: 21q22.12.
Variant type: single nucleotide variant.
Coding change: c.98G>A on transcript NM_000219.6 (MANE Select); coding-DNA position 98, G replaced by A.
Protein change: p.Arg33Lys; replaces arginine 33 with lysine.
Molecular consequence: missense variant.
Genome position (GRCh38, 1-based): chr21:34,449,537, C>T on the plus strand (G>A on the coding strand, the complement: KCNE1 is on the minus strand). VCF-style: chr21-34449537-C-T. GRCh37 (hg19) VCF-style: chr21-35821835-C-T.
Other names: c.98G>A, p.Arg33Lys (NM_001127668.4, NM_001127669.4, NM_001127670.4 and 4 more transcripts); short protein forms R33K.
Identifiers: ClinVar variation 3374041 (VCV003374041.4).